The following is an entry in ClinVar:

NM_006019.4(TCIRG1):c.482C>T (p.Pro161Leu)

Gene: TCIRG1 (T cell immune regulator 1, ATPase H+ transporting V0 subunit a3; plus strand). Cytogenetic location: 11q13.2.
Variant type: single nucleotide variant.
Coding change: c.482C>T on transcript NM_006019.4 (MANE Select); coding-DNA position 482, C replaced by T.
Protein change: p.Pro161Leu; replaces proline 161 with leucine.
Molecular consequence: missense variant. On other transcripts: 5 prime UTR variant (2).
Genome position (GRCh38, 1-based): chr11:68,043,010, C>T. VCF-style: chr11-68043010-C-T. GRCh37 (hg19) VCF-style: chr11-67810477-C-T.
Other names: c.-768C>T (NM_001351059.2); c.-506C>T (NM_006053.4); short protein forms P161L.
Identifiers: ClinVar variation 235740 (VCV000235740.25), dbSNP rs34227834, ClinGen allele CA6146731.

ClinVar aggregate classification (germline): Conflicting classifications of pathogenicity. Review status: criteria provided, conflicting classifications (1 of 4 stars). 10 submissions from 10 submitters: Uncertain significance (2); Likely benign (5). 3 of the submissions do not count toward it. Last evaluated 2026-02-02.

Conditions:
TCIRG1-related disorder. Also called: TCIRG1-related condition.
Autosomal recessive osteopetrosis 1. Also called: TCIRG1-Related Autosomal Recessive Osteopetrosis; ALBERS-SCHONBERG DISEASE, AUTOSOMAL RECESSIVE; TCIRG1-Related Osteopetrosis. Identifiers: Orphanet 667, MedGen C1850127, MONDO:0009815, OMIM 259700.

Allele frequency attached by ClinVar (database versions not stated): gnomAD 0.00140 and 0.00144; gnomAD exomes 0.00142 and 0.00259; 1000 Genomes Project 30x 0.00156; TOPMed 0.00161; ExAC 0.00083; ESP Exome Variant Server 0.00088; 1000 Genomes Project 0.00120.
gnomAD v4.1: 3,809 of 1,551,700 alleles (0.25%); highest among the groups gnomAD compares: Non-Finnish European, 0.31%; 7 homozygotes.

Submissions (10):

Labcorp Genetics (formerly Invitae), Labcorp
Classification: Likely benign. Last evaluated: 2026-02-02. Review status: criteria provided, single submitter. Criteria: Invitae Variant Classification Sherloc (09022015). Collection method: clinical testing. Allele origin: germline.

Blueprint Genetics
Classification: Likely benign. Last evaluated: 2024-11-21. Review status: criteria provided, single submitter. Criteria: ACMG Guidelines, 2015. Collection method: clinical testing. Allele origin: germline.

PreventionGenetics, part of Exact Sciences
Classification: Likely benign for TCIRG1-related condition. Last evaluated: 2024-11-13. Review status: criteria provided, single submitter. Criteria: ACMG Guidelines, 2015. Collection method: clinical testing. Allele origin: germline.
Comment: This variant is classified as likely benign based on ACMG/AMP sequence variant interpretation guidelines (Richards et al. 2015 PMID: 25741868, with internal and published modifications).

Department of Pathology and Laboratory Medicine, Sinai Health System
Classification: Uncertain significance for Autosomal recessive osteopetrosis 1. Last evaluated: 2021-07-30. Review status: criteria provided, single submitter. Criteria: ACMG Guidelines, 2015. Collection method: research. Allele origin: germline.

GeneDx
Classification: Uncertain significance. Last evaluated: 2019-04-08. Review status: criteria provided, single submitter. Criteria: GeneDx Variant Classification Process June 2021. Collection method: clinical testing. Allele origin: germline. Affected: yes.
Comment: Reported (as rs34227834) in association reduced neutrophil count (Rosenthal et al., 2016); In silico analysis, which includes protein predictors and evolutionary conservation, supports that this variant does not alter protein structure/function; This variant is associated with the following publications: (PMID: 27229898)

Illumina Laboratory Services, Illumina
Classification: Likely benign for Autosomal recessive osteopetrosis 1. Last evaluated: 2018-01-13. Review status: criteria provided, single submitter. Criteria: ICSL Variant Classification Criteria 13 December 2019. Collection method: clinical testing. Allele origin: germline.
Comment: This variant was observed in the ICSL laboratory as part of a predisposition screen in an ostensibly healthy population. It had not been previously curated by ICSL or reported in the Human Gene Mutation Database (HGMD: prior to June 1st, 2018), and was therefore a candidate for classification through an automated scoring system. Utilizing variant allele frequency, disease prevalence and penetrance estimates, and inheritance mode, an automated score was calculated to assess if this variant is too frequent to cause the disease. Based on the score and internal cut-off values, a variant classified as likely benign is not then subjected to further curation. The score for this variant resulted in a classification of likely benign for this disease.

Center for Pediatric Genomic Medicine, Children's Mercy Hospital and Clinics
Classification: Likely benign. Last evaluated: 2015-06-15. Review status: criteria provided, single submitter. Criteria: ACMG Guidelines, 2015. Collection method: clinical testing. Allele origin: germline.
ClinVar note: Converted during submission from Likely Benign to Likely benign.

Natera, Inc.
Classification: Likely benign for Infantile malignant osteopetrosis. Last evaluated: 2020-09-16. Review status: no assertion criteria provided. Collection method: clinical testing. Allele origin: germline. Not counted in ClinVar's aggregate classification.

Clinical Genetics DNA and cytogenetics Diagnostics Lab, Erasmus MC, Erasmus Medical Center
Classification: Likely benign. Review status: no assertion criteria provided. Collection method: clinical testing. Allele origin: germline. Affected: yes. Study: VKGL Data-share Consensus. Not counted in ClinVar's aggregate classification.

Laboratory of Diagnostic Genome Analysis, Leiden University Medical Center (LUMC)
Classification: Likely benign. Review status: no assertion criteria provided. Collection method: clinical testing. Allele origin: germline. Affected: yes. Study: VKGL Data-share Consensus. Not counted in ClinVar's aggregate classification.